The following is an entry in ClinVar:

ClinVar aggregate classification (germline): Benign/Likely benign. Review status: criteria provided, multiple submitters, no conflicts (2 of 4 stars). 6 submissions from 6 submitters: Benign (1); Likely benign (4). 1 of the submissions does not count toward it. Last evaluated 2026-05-15.

Conditions:
NF1-related disorder. Also called: NF1-related condition. Identifiers: MedGen CN379171.
Hereditary cancer-predisposing syndrome. Also called: Hereditary neoplastic syndrome; Neoplastic Syndromes, Hereditary; Hereditary Cancer Syndrome; Tumor predisposition. Identifiers: Orphanet 140162, MedGen C0027672, MeSH D009386, MONDO:0015356.
Neurofibromatosis, type 1 (NF1). Also called: NEUROFIBROMATOSIS, TYPE I, SOMATIC; Neurofibromatosis, type I; VON RECKLINGHAUSEN DISEASE; Peripheral type neurofibromatosis. Identifiers: Orphanet 636, MedGen C0027831, MONDO:0018975, OMIM 162200. Disease mechanism: loss of function.

Allele frequency attached by ClinVar (database versions not stated): gnomAD exomes 0.00002 and 0.00001; 1000 Genomes Project 0.00020; 1000 Genomes Project 30x 0.00016; gnomAD 0.00001 and 0.00002; ExAC 0.00002.
gnomAD v4.1: 21 of 1,614,070 alleles (0.0013%); highest among the groups gnomAD compares: South Asian, 0.0033%; no homozygotes.

Submissions (6):

Myriad Genetics, Inc.
Classification: Benign for Neurofibromatosis, type 1. Last evaluated: 2026-05-15. Review status: criteria provided, single submitter. Criteria: Myriad Autosomal Dominant, Autosomal Recessive and X-Linked Classification Criteria (2023). Collection method: clinical testing. Allele origin: unknown.
Comment: This variant is considered benign. This variant is a silent/synonymous amino acid change and it is not expected to impact splicing.

Labcorp Genetics (formerly Invitae), Labcorp
Classification: Likely benign for Neurofibromatosis, type 1. Last evaluated: 2025-12-10. Review status: criteria provided, single submitter. Criteria: Invitae Variant Classification Sherloc (09022015). Collection method: clinical testing. Allele origin: germline.

Genome-Nilou Lab
Classification: Likely benign for Neurofibromatosis, type 1. Last evaluated: 2022-03-15. Review status: criteria provided, single submitter. Criteria: ACMG Guidelines, 2015. Collection method: clinical testing. Allele origin: germline. Affected: no.

GeneDx
Classification: Likely benign. Last evaluated: 2018-04-13. Review status: criteria provided, single submitter. Criteria: GeneDx Variant Classification (06012015). Collection method: clinical testing. Allele origin: germline. Affected: yes.
Comment: This variant is considered likely benign or benign based on one or more of the following criteria: it is a conservative change, it occurs at a poorly conserved position in the protein, it is predicted to be benign by multiple in silico algorithms, and/or has population frequency not consistent with disease.

Ambry Genetics
Classification: Likely benign for Hereditary cancer-predisposing syndrome. Last evaluated: 2015-07-29. Review status: criteria provided, single submitter. Criteria: Ambry Autosomal Dominant and X-Linked criteria (10/2015). Collection method: clinical testing. Allele origin: germline. Observed: 1 variant allele.
Comment: In silico models in agreement (benign);Synonymous alterations with insufficient evidence to classify as benign

PreventionGenetics, part of Exact Sciences
Classification: Likely benign for NF1-related condition. Last evaluated: 2019-06-25. Review status: no assertion criteria provided. Collection method: clinical testing. Allele origin: germline. Not counted in ClinVar's aggregate classification.
Comment: This variant is classified as likely benign based on ACMG/AMP sequence variant interpretation guidelines (Richards et al. 2015 PMID: 25741868, with internal and published modifications).

NM_001042492.3(NF1):c.1176A>G (p.Gln392=)

Gene: NF1 (neurofibromin 1; plus strand). Cytogenetic location: 17q11.2.
Variant type: single nucleotide variant.
Coding change: c.1176A>G on transcript NM_001042492.3 (MANE Select); coding-DNA position 1176, A replaced by G.
Protein change: p.Gln392=; no amino-acid change (glutamine 392 retained).
Molecular consequence: synonymous variant.
Genome position (GRCh38, 1-based): chr17:31,201,150, A>G. VCF-style: chr17-31201150-A-G. GRCh37 (hg19) VCF-style: chr17-29528168-A-G.
Other names: c.1176A>G, p.Gln392= (NM_000267.4, NM_001128147.3).
Identifiers: ClinVar variation 237511 (VCV000237511.16), dbSNP rs566220983, ClinGen allele CA8485692.